The following is an entry in ClinVar:

ClinVar aggregate classification (germline): Uncertain significance. Review status: criteria provided, multiple submitters, no conflicts (2 of 4 stars). 2 submissions from 2 submitters: Uncertain significance (2). Last evaluated 2022-09-23.

Submissions (2):

Labcorp Genetics (formerly Invitae), Labcorp
Classification: Uncertain significance. Last evaluated: 2022-09-23. Review status: criteria provided, single submitter. Criteria: Invitae Variant Classification Sherloc (09022015). Collection method: clinical testing. Allele origin: germline.
Comment: In summary, the available evidence is currently insufficient to determine the role of this variant in disease. Therefore, it has been classified as a Variant of Uncertain Significance. Experimental studies and prediction algorithms are not available or were not evaluated, and the functional significance of this variant is currently unknown. This variant has not been reported in the literature in individuals affected with FAM161A-related conditions. This variant is present in population databases (no rsID available, gnomAD 0.007%). This sequence change results in a frameshift in the FAM161A gene (p.Asp700Metfs*78). While this is not anticipated to result in nonsense mediated decay, it is expected to disrupt the last 17 amino acid(s) of the FAM161A protein and extend the protein by 60 additional amino acid residues.

Blueprint Genetics
Classification: Uncertain significance. Last evaluated: 2020-07-01. Review status: criteria provided, single submitter. Criteria: ACMG Guidelines, 2015. Collection method: clinical testing. Allele origin: germline.

NM_001201543.2(FAM161A):c.2097del (p.Asp700fs)

Gene: FAM161A (FAM161 centrosomal protein A; minus strand). Cytogenetic location: 2p15.
Variant type: Deletion.
Coding change: c.2097del on transcript NM_001201543.2 (MANE Select); coding-DNA position 2097, one base deleted (A; older notation c.2097delA).
Protein change: p.Asp700fs; shifts the reading frame from aspartic acid 700.
Molecular consequence: frameshift variant. On other transcripts: non-coding transcript variant (1).
Genome position (GRCh38, 1-based): chr2:61,826,509, T deleted on the plus strand (A on the coding strand, the reverse complement: FAM161A is on the minus strand); the first of 5 consecutive T bases (chr2:61,826,509-61,826,513); deleting any one gives the same sequence. VCF-style (leftmost placement, unchanged base first): chr2-61826508-CT-C. GRCh37 (hg19) VCF-style: chr2-62053643-CT-C.
Other names: c.1929del, p.Asp644fs (NM_032180.3); short protein forms D644fs, D700fs.
Identifiers: ClinVar variation 1959034 (VCV001959034.6), dbSNP rs1343127539, ClinGen allele CA532853840.
Genomic context (GRCh38, chr2:61,826,508, plus strand): 5'-TGATGATTCAGTGTGATTCTTCAACAGATTTCTCTTCTTCACTTTCCTCATTGGCTTCAT[CT>C]TTTTCCTTGTAAGAATCCTGGCTGTTGGTATCAATAAAATAATTTTCTTCCCCATTCTCT-3'